The following is an entry in ClinVar:

NM_001101362.3(KBTBD13):c.572C>G (p.Ala191Gly)

Gene: KBTBD13 (kelch repeat and BTB domain containing 13; plus strand). Cytogenetic location: 15q22.31.
Variant type: single nucleotide variant.
Coding change: c.572C>G on transcript NM_001101362.3 (MANE Select); coding-DNA position 572, C replaced by G.
Protein change: p.Ala191Gly; replaces alanine 191 with glycine.
Molecular consequence: missense variant.
Genome position (GRCh38, 1-based): chr15:65,077,387, C>G. VCF-style: chr15-65077387-C-G. GRCh37 (hg19) VCF-style: chr15-65369725-C-G.
Other names: short protein forms A191G.
Identifiers: ClinVar variation 1383451 (VCV001383451.6), dbSNP rs1014978095, ClinGen allele CA271503729.
Genomic context (GRCh38, chr15:65,077,387, plus strand): 5'-AGGACGCCTCGCGCACGCTGTGTTACCTGGACGAGGAAGAGGACGCGTGGCGCACGCTGG[C>G]TGCGCTGCCCCTGGAGGCCAGCACGTTGCTGGCCGGGGTGGCCACGCTGGGCAACAAGCT-3'
Protein context (NP_001094832.1, residues 181-201): DEEEDAWRTL[Ala191Gly]ALPLEASTLL

ClinVar aggregate classification (germline): Uncertain significance (1 of 4 stars; one submission).

Conditions:
Nemaline myopathy 6 (NEM6). Also called: Nemaline myopathy 6, autosomal dominant. Identifiers: Orphanet 171439, MedGen C1836472, MONDO:0012237, OMIM 609273.

Allele frequency attached by ClinVar (database versions not stated): gnomAD exomes below 0.00001.

Submission:

Labcorp Genetics (formerly Invitae), Labcorp
Classification: Uncertain significance for Nemaline myopathy 6. Last evaluated: 2025-08-29. Review status: criteria provided, single submitter. Criteria: Invitae Variant Classification Sherloc (09022015). Collection method: clinical testing. Allele origin: germline.
Comment: This sequence change replaces alanine, which is neutral and non-polar, with glycine, which is neutral and non-polar, at codon 191 of the KBTBD13 protein (p.Ala191Gly). This variant is not present in population databases (gnomAD no frequency). This variant has not been reported in the literature in individuals affected with KBTBD13-related conditions. ClinVar contains an entry for this variant (Variation ID: 1383451). Invitae Evidence Modeling of protein sequence and biophysical properties (such as structural, functional, and spatial information, amino acid conservation, physicochemical variation, residue mobility, and thermodynamic stability) indicates that this missense variant is not expected to disrupt KBTBD13 protein function with a negative predictive value of 80%. In summary, the available evidence is currently insufficient to determine the role of this variant in disease. Therefore, it has been classified as a Variant of Uncertain Significance.